The following is an entry in ClinVar:

NM_016604.4(KDM3B):c.3224A>G (p.Glu1075Gly)

Gene: KDM3B (lysine demethylase 3B; plus strand). Cytogenetic location: 5q31.2.
Variant type: single nucleotide variant.
Coding change: c.3224A>G on transcript NM_016604.4 (MANE Select); coding-DNA position 3224, A replaced by G.
Protein change: p.Glu1075Gly; replaces glutamic acid 1075 with glycine.
Molecular consequence: missense variant.
Genome position (GRCh38, 1-based): chr5:138,415,156, A>G. VCF-style: chr5-138415156-A-G. GRCh37 (hg19) VCF-style: chr5-137750845-A-G.
Other names: short protein forms E1075G.
Identifiers: ClinVar variation 3369529 (VCV003369529.1).

ClinVar aggregate classification (germline): Uncertain significance (1 of 4 stars; one submission).

Submission:

GeneDx
Classification: Uncertain significance. Last evaluated: 2024-02-21. Review status: criteria provided, single submitter. Criteria: GeneDx Variant Classification Process June 2021. Collection method: clinical testing. Allele origin: germline. Affected: yes.
Comment: Not observed at significant frequency in large population cohorts (gnomAD); In silico analysis supports that this missense variant has a deleterious effect on protein structure/function; Has not been previously published as pathogenic or benign to our knowledge